The following is an entry in ClinVar:

NM_000455.5(STK11):c.740A>G (p.Asn247Ser)

Gene: STK11 (serine/threonine kinase 11; plus strand). Cytogenetic location: 19p13.3.
Variant type: single nucleotide variant.
Coding change: c.740A>G on transcript NM_000455.5 (MANE Select); coding-DNA position 740, A replaced by G.
Protein change: p.Asn247Ser; replaces asparagine 247 with serine.
Molecular consequence: missense variant.
Genome position (GRCh38, 1-based): chr19:1,221,218, A>G. VCF-style: chr19-1221218-A-G. GRCh37 (hg19) VCF-style: chr19-1221217-A-G.
Other names: short protein forms N247S.
Identifiers: ClinVar variation 1331840 (VCV001331840.10), dbSNP rs1555738612, ClinGen allele CA402950331.

ClinVar aggregate classification (germline): Uncertain significance. Review status: criteria provided, multiple submitters, no conflicts (2 of 4 stars). 3 submissions from 3 submitters: Uncertain significance (3). Last evaluated 2026-06-22.

Conditions:
Hereditary cancer-predisposing syndrome. Also called: Hereditary Cancer Syndrome; Neoplastic Syndromes, Hereditary; Hereditary neoplastic syndrome; Tumor predisposition. Identifiers: Orphanet 140162, MedGen C0027672, MeSH D009386, MONDO:0015356.
Peutz-Jeghers syndrome (PJS). Also called: POLYPOSIS, HAMARTOMATOUS INTESTINAL; POLYPS-AND-SPOTS SYNDROME; Peutz-Jeghers polyposis; Periorificial lentiginosis syndrome. Identifiers: Orphanet 2869, MedGen C0031269, MeSH D010580, MONDO:0008280, OMIM 175200.

Submissions (3):

Ambry Genetics
Classification: Uncertain significance for Hereditary cancer-predisposing syndrome. Last evaluated: 2026-06-22. Review status: criteria provided, single submitter. Criteria: Ambry Variant Classification Scheme 2023. Collection method: clinical testing. Allele origin: germline.
Comment: The p.N247S variant (also known as c.740A>G), located in coding exon 6 of the STK11 gene, results from an A to G substitution at nucleotide position 740. The asparagine at codon 247 is replaced by serine, an amino acid with highly similar properties. This amino acid position is highly conserved in available vertebrate species. In addition, this alteration is predicted to be tolerated by in silico analysis. Based on the available evidence, the clinical significance of this variant remains unclear.

Labcorp Genetics (formerly Invitae), Labcorp
Classification: Uncertain significance for Peutz-Jeghers syndrome. Last evaluated: 2024-02-01. Review status: criteria provided, single submitter. Criteria: Invitae Variant Classification Sherloc (09022015). Collection method: clinical testing. Allele origin: germline.
Comment: This sequence change replaces asparagine, which is neutral and polar, with serine, which is neutral and polar, at codon 247 of the STK11 protein (p.Asn247Ser). This variant is not present in population databases (gnomAD no frequency). This variant has not been reported in the literature in individuals affected with STK11-related conditions. ClinVar contains an entry for this variant (Variation ID: 1331840). Advanced modeling of protein sequence and biophysical properties (such as structural, functional, and spatial information, amino acid conservation, physicochemical variation, residue mobility, and thermodynamic stability) performed at Invitae indicates that this missense variant is expected to disrupt STK11 protein function with a positive predictive value of 95%. Algorithms developed to predict the effect of sequence changes on RNA splicing suggest that this variant may create or strengthen a splice site. In summary, the available evidence is currently insufficient to determine the role of this variant in disease. Therefore, it has been classified as a Variant of Uncertain Significance.

Color Diagnostics, LLC DBA Color Health
Classification: Uncertain significance for Hereditary cancer-predisposing syndrome. Last evaluated: 2021-06-14. Review status: criteria provided, single submitter. Criteria: ACMG Guidelines, 2015. Collection method: clinical testing. Allele origin: germline.
Comment: This missense variant replaces asparagine with serine at codon 247 of the STK11 protein. Computational prediction is inconclusive regarding the impact of this variant on protein structure and function (internally defined REVEL score threshold 0.5 < inconclusive < 0.7, PMID: 27666373). To our knowledge, functional studies have not been reported for this variant. This variant has not been reported in individuals affected with hereditary cancer in the literature. This variant has not been identified in the general population by the Genome Aggregation Database (gnomAD). The available evidence is insufficient to determine the role of this variant in disease conclusively. Therefore, this variant is classified as a Variant of Uncertain Significance.